The following is an entry in ClinVar:

ClinVar aggregate classification (germline): Uncertain significance (1 of 4 stars; one submission).

Conditions:
Hereditary breast ovarian cancer syndrome. Also called: Hereditary breast and ovarian cancer syndrome (HBOC); Breast and ovarian cancer; BRCA1- and BRCA2-Associated Hereditary Breast and Ovarian Cancer; Hereditary breast and ovarian cancer syndrome; Hereditary breast and ovarian cancer; Hereditary breast and/or ovarian cancer syndrome. Identifiers: Orphanet 145, MedGen C0677776, MeSH D061325, MONDO:0003582. Disease mechanism: loss of function.

Submission:

Labcorp Genetics (formerly Invitae), Labcorp
Classification: Uncertain significance for Hereditary breast ovarian cancer syndrome. Last evaluated: 2023-03-04. Review status: criteria provided, single submitter. Criteria: Invitae Variant Classification Sherloc (09022015). Collection method: clinical testing. Allele origin: germline.
Comment: In summary, the available evidence is currently insufficient to determine the role of this variant in disease. Therefore, it has been classified as a Variant of Uncertain Significance. Advanced modeling of protein sequence and biophysical properties (such as structural, functional, and spatial information, amino acid conservation, physicochemical variation, residue mobility, and thermodynamic stability) performed at Invitae indicates that this missense variant is not expected to disrupt BRCA2 protein function. This variant has not been reported in the literature in individuals affected with BRCA2-related conditions. This variant is not present in population databases (gnomAD no frequency). This sequence change replaces lysine, which is basic and polar, with glutamine, which is neutral and polar, at codon 725 of the BRCA2 protein (p.Lys725Gln).

NM_000059.4(BRCA2):c.2173A>C (p.Lys725Gln)

Gene: BRCA2 (BRCA2 DNA repair associated; plus strand). Cytogenetic location: 13q13.1.
Variant type: single nucleotide variant.
Coding change: c.2173A>C on transcript NM_000059.4 (MANE Select); coding-DNA position 2173, A replaced by C.
Protein change: p.Lys725Gln; replaces lysine 725 with glutamine.
Molecular consequence: missense variant. On other transcripts: non-coding transcript variant (1), intron variant (2).
Genome position (GRCh38, 1-based): chr13:32,336,528, A>C. VCF-style: chr13-32336528-A-C. GRCh37 (hg19) VCF-style: chr13-32910665-A-C.
Other names: c.2173A>C, p.Lys725Gln (NM_001406719.1, NM_001406720.1); c.1909+3141A>C (NM_001406721.1); c.424+5498A>C (NM_001406722.1); short protein forms K725Q.
Identifiers: ClinVar variation 2842354 (VCV002842354.3), dbSNP rs431825294, ClinGen allele CA387770314.